The following is an entry in ClinVar:

NM_000747.3(CHRNB1):c.1394T>C (p.Met465Thr)

Gene: CHRNB1 (cholinergic receptor nicotinic beta 1 subunit; plus strand). Cytogenetic location: 17p13.1.
Variant type: single nucleotide variant.
Coding change: c.1394T>C on transcript NM_000747.3 (MANE Select); coding-DNA position 1394, T replaced by C.
Protein change: p.Met465Thr; replaces methionine 465 with threonine.
Molecular consequence: missense variant.
Genome position (GRCh38, 1-based): chr17:7,456,611, T>C. VCF-style: chr17-7456611-T-C. GRCh37 (hg19) VCF-style: chr17-7359930-T-C.
Other names: short protein forms M465T.
Identifiers: ClinVar variation 706859 (VCV000706859.36), dbSNP rs201776800, ClinGen allele CA8348064.

ClinVar aggregate classification (germline): Conflicting classifications of pathogenicity. Review status: criteria provided, conflicting classifications (1 of 4 stars). 4 submissions from 4 submitters: Uncertain significance (2); Benign (1); Likely benign (1). Last evaluated 2026-01-19.

Conditions:
Congenital myasthenic syndrome 4C (CMS4C). Also called: Myasthenic syndrome, congenital, associated with acetylcholine receptor deficiency. Identifiers: Orphanet 590, MedGen C1837091, MONDO:0012157, OMIM 608931.
Congenital myasthenic syndrome 2A. Also called: Myasthenic syndrome, congenital, 2a, slow-channel. Identifiers: Orphanet 590, MedGen C4225374, MONDO:0014581, OMIM 616313.

Allele frequency attached by ClinVar (database versions not stated): gnomAD 0.00009 and 0.00031; TOPMed 0.00019; gnomAD exomes 0.00055 and 0.00084; ExAC 0.00068; 1000 Genomes Project 30x 0.00141; 1000 Genomes Project 0.00180.
gnomAD v4.1: 1,238 of 1,614,134 alleles (0.077%); highest among the groups gnomAD compares: East Asian, 2.7%; 38 homozygotes.

Submissions (4):

Labcorp Genetics (formerly Invitae), Labcorp
Classification: Likely benign for Congenital myasthenic syndrome 2A. Last evaluated: 2026-01-19. Review status: criteria provided, single submitter. Criteria: Invitae Variant Classification Sherloc (09022015). Collection method: clinical testing. Allele origin: germline.

Blueprint Genetics
Classification: Uncertain significance. Last evaluated: 2024-08-06. Review status: criteria provided, single submitter. Criteria: ACMG Guidelines, 2015. Collection method: clinical testing. Allele origin: germline.

Illumina Laboratory Services, Illumina
Classification: Benign for Congenital myasthenic syndrome 4C. Last evaluated: 2017-04-27. Review status: criteria provided, single submitter. Criteria: ICSL Variant Classification Criteria 13 December 2019. Collection method: clinical testing. Allele origin: germline.
Comment: This variant was observed as part of a predisposition screen in an ostensibly healthy population. A literature search was performed for the gene, cDNA change, and amino acid change (where applicable). No publications were found based on this search. Allele frequency data from public databases was too high to be consistent with this variant causing disease. Therefore, this variant is classified as benign.

Pediatric Department, Xiangya Hospital, Central South University
Classification: Uncertain significance. Review status: criteria provided, single submitter. Criteria: ACMG Guidelines, 2015. Collection method: clinical testing. Allele origin: maternal. Affected: yes.
Comment: This variant was observed in the other gene TWNK with variant (c.1421G>C)